The following is an entry in ClinVar:

NM_001171.6(ABCC6):c.3758G>A (p.Cys1253Tyr)

Gene: ABCC6 (ATP binding cassette subfamily C member 6; minus strand). Cytogenetic location: 16p13.11.
Variant type: single nucleotide variant.
Coding change: c.3758G>A on transcript NM_001171.6 (MANE Select); coding-DNA position 3758, G replaced by A.
Protein change: p.Cys1253Tyr; replaces cysteine 1253 with tyrosine.
Molecular consequence: missense variant. On other transcripts: non-coding transcript variant (1).
Genome position (GRCh38, 1-based): chr16:16,157,787, C>T on the plus strand (G>A on the coding strand, the complement: ABCC6 is on the minus strand). VCF-style: chr16-16157787-C-T. GRCh37 (hg19) VCF-style: chr16-16251644-C-T.
Other names: c.3416G>A, p.Cys1139Tyr (NM_001351800.1); short protein forms C1139Y, C1253Y.
Identifiers: ClinVar variation 3344838 (VCV003344838.1).

ClinVar aggregate classification (germline): Uncertain significance (0 of 4 stars; one submission).

Conditions:
ABCC6-related disorder. Also called: ABCC6-related condition.

gnomAD v4.1: 6 of 1,612,742 alleles (0.00037%); highest among the groups gnomAD compares: Non-Finnish European, 0.00051%; no homozygotes.

Submission:

PreventionGenetics, part of Exact Sciences
Classification: Uncertain significance for ABCC6-related condition. Last evaluated: 2024-04-03. Review status: no assertion criteria provided. Collection method: clinical testing. Allele origin: germline.
Comment: The ABCC6 c.3758G>A variant is predicted to result in the amino acid substitution p.Cys1253Tyr. To our knowledge, this variant has not been reported in the literature or in a large population database, indicating this variant is rare. At this time, the clinical significance of this variant is uncertain due to the absence of conclusive functional and genetic evidence.